The following is an entry in ClinVar:

ClinVar aggregate classification (germline): Uncertain significance (1 of 4 stars; one submission).

Allele frequency attached by ClinVar (database versions not stated): ExAC 0.00007; ESP Exome Variant Server 0.00015; gnomAD 0.00016; TOPMed 0.00020.
gnomAD v4.1: 570 of 1,614,016 alleles (0.035%); highest among the groups gnomAD compares: Non-Finnish European, 0.047%; no homozygotes.

Submission:

Labcorp Genetics (formerly Invitae), Labcorp
Classification: Uncertain significance. Last evaluated: 2025-11-30. Review status: criteria provided, single submitter. Criteria: Invitae Variant Classification Sherloc (09022015). Collection method: clinical testing. Allele origin: germline.
Comment: This sequence change replaces glycine, which is neutral and non-polar, with valine, which is neutral and non-polar, at codon 319 of the SCARB1 protein (p.Gly319Val). This variant is present in population databases (rs150728540, gnomAD 0.02%). This missense change has been observed in individual(s) with coronary artery disease (PMID: 33975440). It has also been observed to segregate with disease in related individuals. ClinVar contains an entry for this variant (Variation ID: 2715521). Invitae Evidence Modeling of protein sequence and biophysical properties (such as structural, functional, and spatial information, amino acid conservation, physicochemical variation, residue mobility, and thermodynamic stability) indicates that this missense variant is expected to disrupt SCARB1 protein function with a positive predictive value of 80%. Experimental studies have shown that this missense change affects SCARB1 function (PMID: 33975440). In summary, the available evidence is currently insufficient to determine the role of this variant in disease. Therefore, it has been classified as a Variant of Uncertain Significance.

Literature cited by the submitters: PubMed 33975440.

NM_005505.5(SCARB1):c.956G>T (p.Gly319Val)

Gene: SCARB1 (scavenger receptor class B member 1; minus strand). Cytogenetic location: 12q24.31.
Variant type: single nucleotide variant.
Coding change: c.956G>T on transcript NM_005505.5 (MANE Select); coding-DNA position 956, G replaced by T.
Protein change: p.Gly319Val; replaces glycine 319 with valine.
Molecular consequence: missense variant. On other transcripts: non-coding transcript variant (9), intron variant (1).
Genome position (GRCh38, 1-based): chr12:124,807,814, C>A on the plus strand (G>T on the coding strand, the complement: SCARB1 is on the minus strand). VCF-style: chr12-124807814-C-A. GRCh37 (hg19) VCF-style: chr12-125292360-C-A.
Other names: c.833G>T, p.Gly278Val (NM_001367982.1); c.956G>T, p.Gly319Val (NM_001367983.1, NM_001367984.1, NM_001367986.1 and 4 more transcripts); c.932G>T, p.Gly311Val (NM_001367985.1); c.726+4056G>T (NM_001367988.1); short protein forms G319V, G311V, G278V.
Identifiers: ClinVar variation 2715521 (VCV002715521.3), dbSNP rs150728540, ClinGen allele CA6870376.
Genomic context (GRCh38, chr12:124,807,814, plus strand): 5'-CACGTACTGAACCTGCAGGTGCTGACGTTCTGAATTCCAGACTCCAGGCACGGGCAGAAG[C>A]CTTCGTTGGGTGGGTAGATGGACCCGTTGGCAAACAGGGTTTTGGGAGCCACGAAGCGAT-3'
Protein context (NP_005496.4, residues 309-329): ANGSIYPPNE[Gly319Val]FCPCLESGIQ